The following is an entry in ClinVar:

NM_024306.5(FA2H):c.176G>C (p.Ser59Thr)

Genes: FA2H (fatty acid 2-hydroxylase; minus strand), LOC130059394 (ATAC-STARR-seq lymphoblastoid silent region 7701; plus strand). Cytogenetic location: 16q23.1.
Variant type: single nucleotide variant.
Coding change: c.176G>C on transcript NM_024306.5 (MANE Select); coding-DNA position 176, G replaced by C.
Protein change: p.Ser59Thr; replaces serine 59 with threonine.
Molecular consequence: missense variant.
Genome position (GRCh38, 1-based): chr16:74,774,580, C>G on the plus strand (G>C on the coding strand, the complement: FA2H is on the minus strand). VCF-style: chr16-74774580-C-G. GRCh37 (hg19) VCF-style: chr16-74808478-C-G.
Other names: short protein forms S59T.
Identifiers: ClinVar variation 1400082 (VCV001400082.8), dbSNP rs2144672449, ClinGen allele CA396768257.

ClinVar aggregate classification (germline): Uncertain significance (1 of 4 stars; one submission).

Conditions:
Spastic paraplegia. Identifiers: MedGen C0037772, HP:0001258.

Submission:

Labcorp Genetics (formerly Invitae), Labcorp
Classification: Uncertain significance for Spastic paraplegia. Last evaluated: 2021-08-05. Review status: criteria provided, single submitter. Criteria: Invitae Variant Classification Sherloc (09022015). Collection method: clinical testing. Allele origin: germline.
Comment: In summary, the available evidence is currently insufficient to determine the role of this variant in disease. Therefore, it has been classified as a Variant of Uncertain Significance. Advanced modeling of protein sequence and biophysical properties (such as structural, functional, and spatial information, amino acid conservation, physicochemical variation, residue mobility, and thermodynamic stability) performed at Invitae indicates that this missense variant is not expected to disrupt FA2H protein function. This variant has not been reported in the literature in individuals with FA2H-related conditions. The frequency data for this variant in the population databases is considered unreliable, as metrics indicate insufficient coverage at this position in the ExAC database. This sequence change replaces serine with threonine at codon 59 of the FA2H protein (p.Ser59Thr). The serine residue is moderately conserved and there is a small physicochemical difference between serine and threonine.